The following is an entry in ClinVar:

NM_001371928.1(AHDC1):c.3017A>G (p.Asn1006Ser)

Gene: AHDC1 (AT-hook DNA binding motif containing 1; minus strand). Cytogenetic location: 1p36.11.
Variant type: single nucleotide variant.
Coding change: c.3017A>G on transcript NM_001371928.1 (MANE Select); coding-DNA position 3017, A replaced by G.
Protein change: p.Asn1006Ser; replaces asparagine 1006 with serine.
Molecular consequence: missense variant.
Genome position (GRCh38, 1-based): chr1:27,549,099, T>C on the plus strand (A>G on the coding strand, the complement: AHDC1 is on the minus strand). VCF-style: chr1-27549099-T-C. GRCh37 (hg19) VCF-style: chr1-27875610-T-C.
Other names: c.3017A>G, p.Asn1006Ser (NM_001029882.3); short protein forms N1006S.
Identifiers: ClinVar variation 2631839 (VCV002631839.3), dbSNP rs139713012, ClinGen allele CA715644.
Genomic context (GRCh38, chr1:27,549,099, plus strand): 5'-CCGGTAGGCGGTGGGGCATAGCCGGCGCTGTGGGCGCTGCTGGGTGAGGCAGGGAGGCTG[T>C]TGCCACTGCCATAGGCGAAGCTGCAGTCCTTGCTGTTAGCGCAGTCCTGGCCTGTAAAGG-3'
Protein context (NP_001358857.1, residues 996-1016): KDCSFAYGSG[Asn1006Ser]SLPASPSSAH

ClinVar aggregate classification (germline): Uncertain significance. Review status: criteria provided, multiple submitters, no conflicts (2 of 4 stars). 2 submissions from 2 submitters: Uncertain significance (2). Last evaluated 2024-03-07.

Conditions:
AHDC1-related disorder. Also called: AHDC1-related condition.

Allele frequency attached by ClinVar (database versions not stated): gnomAD exomes 0.00001; ExAC 0.00002; gnomAD 0.00003; TOPMed 0.00004; ESP Exome Variant Server 0.00008.
gnomAD v4.1: 13 of 1,553,860 alleles (0.00084%); highest among the groups gnomAD compares: Admixed American, 0.0076%; no homozygotes.

Submissions (2):

Labcorp Genetics (formerly Invitae), Labcorp
Classification: Uncertain significance. Last evaluated: 2024-03-07. Review status: criteria provided, single submitter. Criteria: Invitae Variant Classification Sherloc (09022015). Collection method: clinical testing. Allele origin: germline.
Comment: This sequence change replaces asparagine, which is neutral and polar, with serine, which is neutral and polar, at codon 1006 of the AHDC1 protein (p.Asn1006Ser). This variant is present in population databases (rs139713012, gnomAD 0.01%). This variant has not been reported in the literature in individuals affected with AHDC1-related conditions. ClinVar contains an entry for this variant (Variation ID: 2631839). Algorithms developed to predict the effect of missense changes on protein structure and function output the following: SIFT: "Not Available"; PolyPhen-2: "Possibly Damaging"; Align-GVGD: "Not Available". The serine amino acid residue is found in multiple mammalian species, which suggests that this missense change does not adversely affect protein function. In summary, the available evidence is currently insufficient to determine the role of this variant in disease. Therefore, it has been classified as a Variant of Uncertain Significance.

PreventionGenetics, part of Exact Sciences
Classification: Uncertain significance for AHDC1-related condition. Last evaluated: 2023-05-11. Review status: criteria provided, single submitter. Criteria: ACMG Guidelines, 2015. Collection method: clinical testing. Allele origin: germline.
Comment: The AHDC1 c.3017A>G variant is predicted to result in the amino acid substitution p.Asn1006Ser. To our knowledge, this variant has not been reported in the literature. This variant is reported in 0.012% of alleles in individuals of African descent in gnomAD. Although we suspect that this variant may be benign, at this time, the clinical significance of this variant is uncertain due to the absence of conclusive functional and genetic evidence.